The following is an entry in ClinVar:

ClinVar aggregate classification (germline): Uncertain significance (1 of 4 stars; one submission).

Conditions:
Gorlin syndrome. Also called: Nevoid Basal Cell Carcinoma Syndrome; Basal cell nevus syndrome. Identifiers: Orphanet 377, MedGen C0004779, MONDO:0007187.

gnomAD v4.1: 1 of 1,614,086 alleles (0.000062%); highest among the groups gnomAD compares: East Asian, 0.0022%; no homozygotes.

Submission:

Labcorp Genetics (formerly Invitae), Labcorp
Classification: Uncertain significance for Gorlin syndrome. Last evaluated: 2025-07-21. Review status: criteria provided, single submitter. Criteria: Invitae Variant Classification Sherloc (09022015). Collection method: clinical testing. Allele origin: germline.
Comment: This sequence change replaces valine, which is neutral and non-polar, with leucine, which is neutral and non-polar, at codon 862 of the PTCH2 protein (p.Val862Leu). This variant is not present in population databases (gnomAD no frequency). This variant has not been reported in the literature in individuals affected with PTCH2-related conditions. ClinVar contains an entry for this variant (Variation ID: 2721329). Invitae Evidence Modeling of protein sequence and biophysical properties (such as structural, functional, and spatial information, amino acid conservation, physicochemical variation, residue mobility, and thermodynamic stability) has been performed for this missense variant. However, the output from this modeling did not meet the statistical confidence thresholds required to predict the impact of this variant on PTCH2 protein function. In summary, the available evidence is currently insufficient to determine the role of this variant in disease. Therefore, it has been classified as a Variant of Uncertain Significance.

NM_003738.5(PTCH2):c.2584G>C (p.Val862Leu)

Gene: PTCH2 (patched 2; minus strand). Cytogenetic location: 1p34.1.
Variant type: single nucleotide variant.
Coding change: c.2584G>C on transcript NM_003738.5 (MANE Select); coding-DNA position 2584, G replaced by C.
Protein change: p.Val862Leu; replaces valine 862 with leucine.
Molecular consequence: missense variant.
Genome position (GRCh38, 1-based): chr1:44,827,013, C>G on the plus strand (G>C on the coding strand, the complement: PTCH2 is on the minus strand). VCF-style: chr1-44827013-C-G. GRCh37 (hg19) VCF-style: chr1-45292685-C-G.
Other names: c.2584G>C, p.Val862Leu (NM_001166292.2); short protein forms V862L.
Identifiers: ClinVar variation 2721329 (VCV002721329.3), dbSNP rs371160711, ClinGen allele CA340094519.